The following is an entry in ClinVar:

NM_001378969.1(KCND3):c.170C>G (p.Thr57Arg)

Gene: KCND3 (potassium voltage-gated channel subfamily D member 3; minus strand). Cytogenetic location: 1p13.2.
Variant type: single nucleotide variant.
Coding change: c.170C>G on transcript NM_001378969.1 (MANE Select); coding-DNA position 170, C replaced by G.
Protein change: p.Thr57Arg; replaces threonine 57 with arginine.
Molecular consequence: missense variant.
Genome position (GRCh38, 1-based): chr1:111,982,557, G>C on the plus strand (C>G on the coding strand, the complement: KCND3 is on the minus strand). VCF-style: chr1-111982557-G-C. GRCh37 (hg19) VCF-style: chr1-112525179-G-C.
Other names: c.170C>G, p.Thr57Arg (NM_001378970.1, NM_004980.5, NM_172198.3); short protein forms T57R.
Identifiers: ClinVar variation 4685204 (VCV004685204.1).

ClinVar aggregate classification (germline): Uncertain significance (1 of 4 stars; one submission).

Submission:

GeneDx
Classification: Uncertain significance. Last evaluated: 2025-07-03. Review status: criteria provided, single submitter. Criteria: GeneDx Variant Classification Process June 2021. Collection method: clinical testing. Allele origin: germline. Affected: yes.
Comment: Has not been previously published as pathogenic or benign to our knowledge; Not observed at significant frequency in large population cohorts (gnomAD); In silico analysis supports that this missense variant has a deleterious effect on protein structure/function